The following is an entry in ClinVar:

NM_001130987.2(DYSF):c.5004-37C>T

Gene: DYSF (dysferlin; plus strand). Cytogenetic location: 2p13.2.
Variant type: single nucleotide variant.
Coding change: c.5004-37C>T on transcript NM_001130987.2 (MANE Select); 37 bases into the intron before coding-DNA position 5004, C replaced by T.
Molecular consequence: intron variant.
Genome position (GRCh38, 1-based): chr2:71,664,231, C>T. VCF-style: chr2-71664231-C-T. GRCh37 (hg19) VCF-style: chr2-71891361-C-T.
Other names: c.4980-37C>T (NM_001130979.2); c.5001-37C>T (NM_001130981.2); c.4938-37C>T (NM_001130980.2); c.4950-37C>T (NM_001130978.2); c.4887-37C>T (NM_003494.4); c.4908-37C>T (NM_001130977.2); c.4845-37C>T (NM_001130976.2); c.4983-37C>T (NM_001130982.2); and 5 more.
Identifiers: ClinVar variation 259081 (VCV000259081.7), dbSNP rs2303599, ClinGen allele CA1707217.

ClinVar aggregate classification (germline): Benign. Review status: criteria provided, multiple submitters, no conflicts (2 of 4 stars). 6 submissions from 4 submitters: Benign (6). Last evaluated 2021-07-30.

Conditions:
Autosomal recessive limb-girdle muscular dystrophy type 2B (LGMDR2). Also called: MUSCULAR DYSTROPHY, LIMB-GIRDLE, TYPE 3; Limb-girdle muscular dystrophy, type 2B; Limb-Girdle Muscular Dystrophy Type 2B (LGMD2B); MUSCULAR DYSTROPHY, LIMB-GIRDLE, AUTOSOMAL RECESSIVE 2. Identifiers: Orphanet 268, MedGen C1850889, MONDO:0009676, OMIM 253601.
Miyoshi muscular dystrophy 1 (MMD1). Identifiers: Orphanet 45448, MedGen C4551973, MONDO:0024545, OMIM 254130.
Distal myopathy with anterior tibial onset. Identifiers: Orphanet 178400, MedGen C1847532, MONDO:0011721, OMIM 606768.

Allele frequency attached by ClinVar (database versions not stated): ExAC 0.82018; 1000 Genomes Project 30x 0.74641; gnomAD 0.79706 and 0.79721; 1000 Genomes Project 0.74481; TOPMed 0.78435; ESP Exome Variant Server 0.81163; gnomAD exomes 0.81631 and 0.85370.
gnomAD v4.1: 1,367,338 of 1,612,854 alleles (85%); highest among the groups gnomAD compares: Middle Eastern, 89%; 582,865 homozygotes.

Submissions (6):

Genome-Nilou Lab
Classification: Benign for Autosomal recessive limb-girdle muscular dystrophy type 2B. Last evaluated: 2021-07-30. Review status: criteria provided, single submitter. Criteria: ACMG Guidelines, 2015. Collection method: clinical testing. Allele origin: germline. Affected: no.

Genome-Nilou Lab
Classification: Benign for Distal myopathy with anterior tibial onset. Last evaluated: 2021-07-30. Review status: criteria provided, single submitter. Criteria: ACMG Guidelines, 2015. Collection method: clinical testing. Allele origin: germline. Affected: no.

Genome-Nilou Lab
Classification: Benign for Miyoshi muscular dystrophy 1. Last evaluated: 2021-06-10. Review status: criteria provided, single submitter. Criteria: ACMG Guidelines, 2015. Collection method: clinical testing. Allele origin: germline. Affected: no.

GeneDx
Classification: Benign. Last evaluated: 2018-06-14. Review status: criteria provided, single submitter. Criteria: GeneDx Variant Classification (06012015). Collection method: clinical testing. Allele origin: germline. Affected: yes.
Comment: This variant is considered likely benign or benign based on one or more of the following criteria: it is a conservative change, it occurs at a poorly conserved position in the protein, it is predicted to be benign by multiple in silico algorithms, and/or has population frequency not consistent with disease.

Breakthrough Genomics
Classification: Benign. Review status: criteria provided, single submitter. Criteria: ACMG Guidelines, 2015. Collection method: not provided. Allele origin: germline. Inheritance: Autosomal recessive inheritance. Affected: yes.

PreventionGenetics, part of Exact Sciences
Classification: Benign. Review status: criteria provided, single submitter. Criteria: ACMG Guidelines, 2015. Collection method: clinical testing. Allele origin: germline.